The following is an entry in ClinVar:

NM_002163.4(IRF8):c.-1-228_-1-219dup

Gene: IRF8 (interferon regulatory factor 8; plus strand). Cytogenetic location: 16q24.1.
Variant type: Duplication.
Coding change: c.-1-228_-1-219dup on transcript NM_002163.4 (MANE Select); 228 bases into the intron before 1 bases upstream of the start codon through 219 bases into the intron before 1 bases upstream of the start codon, 10 bases duplicated (GGCTGCAGGT; older notation c.-1-228_-1-219dupGGCTGCAGGT).
Molecular consequence: intron variant.
Genome position (GRCh38, 1-based): chr16:85,902,787-85,902,796, GGCTGCAGGT duplicated; duplicating any 10 consecutive bases within chr16:85,902,784-85,902,796 gives the same sequence; the c. name uses the placement nearest the transcript's 3' end. VCF-style (leftmost placement, unchanged base first): chr16-85902783-T-TGGTGGCTGCA. GRCh37 (hg19) VCF-style: chr16-85936389-T-TGGTGGCTGCA.
Identifiers: ClinVar variation 2688522 (VCV002688522.2), dbSNP rs29001489, ClinGen allele CA285711017.
Genomic context (GRCh38, chr16:85,902,783, plus strand): 5'-GGCAGATGAAAGCTGGAAGGAGCACAGCCAGCACAGTGGGAGGGGCCTGCAGGGGGCTGC[T>TGGTGGCTGCA]GGTGGCTGCAGGTTTCCCACGGAGCTTTCAGTTTGCACTCAGGGCTGTGAGGTCATGGAG-3'

ClinVar aggregate classification (germline): Benign (1 of 4 stars; one submission).

Submission:

Unidad de Genómica Garrahan, Hospital de Pediatría Garrahan
Classification: Benign. Last evaluated: 2024-01-24. Review status: criteria provided, single submitter. Criteria: ACMG Guidelines, 2015. Collection method: clinical testing. Allele origin: germline. Affected: no. Observed: 80 variant alleles.
Comment: This variant is classified as Benign based on local population frequency. This variant was detected in 91% of patients studied by a panel of primary immunodeficiencies. Number of patients: 80. Only high quality variants are reported.